The following is an entry in ClinVar:

NM_172107.4(KCNQ2):c.1415_1424del (p.Ser472fs)

Gene: KCNQ2 (potassium voltage-gated channel subfamily Q member 2; minus strand). Cytogenetic location: 20q13.33.
Variant type: Deletion.
Coding change: c.1415_1424del on transcript NM_172107.4 (MANE Select); coding-DNA positions 1415 to 1424, 10 bases deleted (GCCTCGAGGA; older notation c.1415_1424delGCCTCGAGGA).
Protein change: p.Ser472fs; shifts the reading frame from serine 472.
Molecular consequence: frameshift variant.
Genome position (GRCh38, 1-based): chr20:63,415,004-63,415,013, TCCTCGAGGC deleted on the plus strand (GCCTCGAGGA on the coding strand, the reverse complement: KCNQ2 is on the minus strand); deleting any 10 consecutive bases within chr20:63,415,004-63,415,015 gives the same sequence; the c. name uses the placement nearest the transcript's 3' end. VCF-style (leftmost placement, unchanged base first): chr20-63415003-GTCCTCGAGGC-G. GRCh37 (hg19) VCF-style: chr20-62046356-GTCCTCGAGGC-G.
Other names: c.1361_1370del, p.Ser454fs (NM_001382235.1, NM_001439003.1, NM_172106.3); c.1331_1340del, p.Ser444fs (NM_001439004.1, NM_004518.6); c.1325_1334del, p.Ser442fs (NM_172108.5); short protein forms S454fs, S442fs, S444fs, S472fs.
Identifiers: ClinVar variation 4719820 (VCV004719820.1).
Genomic context (GRCh38, chr20:63,415,003, plus strand): 5'-AGCCTGGCGTGCCCGGCTGCGGTCCCCGAAGCTCCAGCTCTTGGGCACCTTGCTGGGGCT[GTCCTCGAGGC>G]TCTGGTCGGCGCTGGGTGACCGCCTCACAGTCTGGGCCTGCGGGGACCCCTTCCCCTTGG-3'

ClinVar aggregate classification (germline): Pathogenic (1 of 4 stars; one submission).

Conditions:
Early-infantile DEE. Also called: Ohtahara syndrome; Early infantile epileptic encephalopathy with suppression bursts; Early infantile epileptic encephalopathy. Identifiers: Orphanet 1934, MedGen C0393706, MONDO:0800491.

Submission:

Labcorp Genetics (formerly Invitae), Labcorp
Classification: Pathogenic for Early-infantile DEE. Last evaluated: 2025-05-19. Review status: criteria provided, single submitter. Criteria: Invitae Variant Classification Sherloc (09022015). Collection method: clinical testing. Allele origin: germline.
Comment: This sequence change creates a premature translational stop signal (p.Ser472Thrfs*54) in the KCNQ2 gene. It is expected to result in an absent or disrupted protein product. Loss-of-function variants in KCNQ2 are known to be pathogenic (PMID: 14534157, 23692823, 27779742). This variant is not present in population databases (gnomAD no frequency). This variant has not been reported in the literature in individuals affected with KCNQ2-related conditions. For these reasons, this variant has been classified as Pathogenic.

Literature cited by the submitters: PubMed 14534157; PubMed 23692823; PubMed 27779742.